The following is an entry in ClinVar:

NM_000019.4(ACAT1):c.274G>A (p.Gly92Ser)

Gene: ACAT1 (acetyl-CoA acetyltransferase 1; plus strand). Cytogenetic location: 11q22.3.
Variant type: single nucleotide variant.
Coding change: c.274G>A on transcript NM_000019.4 (MANE Select); coding-DNA position 274, G replaced by A.
Protein change: p.Gly92Ser; replaces glycine 92 with serine.
Molecular consequence: missense variant.
Genome position (GRCh38, 1-based): chr11:108,134,256, G>A. VCF-style: chr11-108134256-G-A. GRCh37 (hg19) VCF-style: chr11-108004983-G-A.
Other names: c.274G>A, p.Gly92Ser (LRG_1400t1); short protein forms G92S.
Identifiers: ClinVar variation 645647 (VCV000645647.10), dbSNP rs1591362402, ClinGen allele CA382506538.

ClinVar aggregate classification (germline): Pathogenic (1 of 4 stars; one submission).

Conditions:
Deficiency of acetyl-CoA acetyltransferase. Also called: Beta-ketothiolase deficiency; MITOCHONDRIAL ACETOACETYL-CoA THIOLASE DEFICIENCY; 3-KETOTHIOLASE DEFICIENCY; 3-OXOTHIOLASE DEFICIENCY. Identifiers: Orphanet 134, MedGen C1536500, MONDO:0008760, OMIM 203750. Disease mechanism: loss of function.

Submission:

Labcorp Genetics (formerly Invitae), Labcorp
Classification: Pathogenic for Deficiency of acetyl-CoA acetyltransferase. Last evaluated: 2023-03-10. Review status: criteria provided, single submitter. Criteria: Invitae Variant Classification Sherloc (09022015). Collection method: clinical testing. Allele origin: germline.
Comment: For these reasons, this variant has been classified as Pathogenic. This sequence change replaces glycine, which is neutral and non-polar, with serine, which is neutral and polar, at codon 92 of the ACAT1 protein (p.Gly92Ser). This variant is not present in population databases (gnomAD no frequency). This missense change has been observed in individual(s) with clinical features of beta-ketothiolase deficiency (Invitae). In at least one individual the data is consistent with being in trans (on the opposite chromosome) from a pathogenic variant. ClinVar contains an entry for this variant (Variation ID: 645647). Advanced modeling of protein sequence and biophysical properties (such as structural, functional, and spatial information, amino acid conservation, physicochemical variation, residue mobility, and thermodynamic stability) performed at Invitae indicates that this missense variant is expected to disrupt ACAT1 protein function.